The following is an entry in ClinVar:

NM_004006.3(DMD):c.9048T>C (p.Thr3016=)

Gene: DMD (dystrophin; minus strand). Cytogenetic location: Xp21.2.
Variant type: single nucleotide variant.
Coding change: c.9048T>C on transcript NM_004006.3 (MANE Select); coding-DNA position 9048, T replaced by C.
Protein change: p.Thr3016=; no amino-acid change (threonine 3016 retained).
Molecular consequence: synonymous variant.
Genome position (GRCh38, 1-based): chrX:31,444,517, A>G on the plus strand (T>C on the coding strand, the complement: DMD is on the minus strand). VCF-style: chrX-31444517-A-G. GRCh37 (hg19) VCF-style: chrX-31462634-A-G.
Other names: c.9024T>C, p.Thr3008= (NM_000109.4); c.9036T>C, p.Thr3012= (NM_004009.3); c.8679T>C, p.Thr2893= (NM_004010.3); c.5025T>C, p.Thr1675= (NM_004011.4); c.5016T>C, p.Thr1672= (NM_004012.4); c.1668T>C, p.Thr556= (NM_004013.3, NM_004020.4, NM_004021.3 and 2 more transcripts); c.861T>C, p.Thr287= (NM_004014.3).
Identifiers: ClinVar variation 2038464 (VCV002038464.7), dbSNP rs2524517671, ClinGen allele CA515858212.

ClinVar aggregate classification (germline): Likely benign. Review status: criteria provided, multiple submitters, no conflicts (2 of 4 stars). 3 submissions from 3 submitters: Likely benign (2). 1 of the submissions does not count toward it. Last evaluated 2024-01-01.

Conditions:
Cardiovascular phenotype. Identifiers: MedGen CN230736.
Duchenne muscular dystrophy (DMD). Also called: MUSCULAR DYSTROPHY, PSEUDOHYPERTROPHIC PROGRESSIVE, DUCHENNE TYPE; Duchenne Muscular Dystrophy (DMD). Identifiers: Orphanet 98896, MedGen C0013264, MONDO:0010679, OMIM 310200.
DMD-related disorder. Also called: DMD-related condition.

Submissions (3):

Ambry Genetics
Classification: Likely benign for Cardiovascular phenotype. Last evaluated: 2024-01-01. Review status: criteria provided, single submitter. Criteria: Ambry Variant Classification Scheme 2023. Collection method: clinical testing. Allele origin: germline.

Labcorp Genetics (formerly Invitae), Labcorp
Classification: Likely benign for Duchenne muscular dystrophy. Last evaluated: 2022-06-13. Review status: criteria provided, single submitter. Criteria: Invitae Variant Classification Sherloc (09022015). Collection method: clinical testing. Allele origin: germline.

PreventionGenetics, part of Exact Sciences
Classification: Likely benign for DMD-related condition. Last evaluated: 2022-06-23. Review status: no assertion criteria provided. Collection method: clinical testing. Allele origin: germline. Not counted in ClinVar's aggregate classification.
Comment: This variant is classified as likely benign based on ACMG/AMP sequence variant interpretation guidelines (Richards et al. 2015 PMID: 25741868, with internal and published modifications).